The following is an entry in ClinVar:

NM_182914.3(SYNE2):c.10267A>T (p.Ile3423Phe)

Gene: SYNE2 (spectrin repeat containing nuclear envelope protein 2; plus strand). Cytogenetic location: 14q23.2.
Variant type: single nucleotide variant.
Coding change: c.10267A>T on transcript NM_182914.3 (MANE Select); coding-DNA position 10267, A replaced by T.
Protein change: p.Ile3423Phe; replaces isoleucine 3423 with phenylalanine.
Molecular consequence: missense variant.
Genome position (GRCh38, 1-based): chr14:64,065,486, A>T. VCF-style: chr14-64065486-A-T. GRCh37 (hg19) VCF-style: chr14-64532204-A-T.
Other names: c.10267A>T, p.Ile3423Phe (NM_015180.6); short protein forms I3423F.
Identifiers: ClinVar variation 538330 (VCV000538330.1), dbSNP rs779367486, ClinGen allele CA389991043.
Genomic context (GRCh38, chr14:64,065,486, plus strand): 5'-CTTAAGGCCTTGGTGTCAAATCTTATATCAACCAAAGAAGAGTTAATGAAACTACGACAG[A>T]TCCTTAGACTCTTGAGACTCAGGTGCACAGAAAATGATGGCATATGTTTGCTCAAGATTG-3'
Protein context (NP_878918.2, residues 3413-3433): TKEELMKLRQ[Ile3423Phe]LRLLRLRCTE

ClinVar aggregate classification (germline): Uncertain significance (1 of 4 stars; one submission).

Conditions:
Emery-Dreifuss muscular dystrophy 5, autosomal dominant (EDMD5). Also called: EMERY-DREIFUSS MUSCULAR DYSTROPHY 5. Identifiers: Orphanet 261, MedGen C2751805, MONDO:0013072, OMIM 612999.

Submission:

Labcorp Genetics (formerly Invitae), Labcorp
Classification: Uncertain significance for Emery-Dreifuss muscular dystrophy 5, autosomal dominant. Last evaluated: 2017-11-13. Review status: criteria provided, single submitter. Criteria: Invitae Variant Classification Sherloc (09022015). Collection method: clinical testing. Allele origin: germline.
Comment: This sequence change replaces isoleucine with phenylalanine at codon 3423 of the SYNE2 protein (p.Ile3423Phe). The isoleucine residue is weakly conserved and there is a small physicochemical difference between isoleucine and phenylalanine. This variant is not present in population databases (ExAC no frequency). This variant has not been reported in the literature in individuals with SYNE2-related disease. Algorithms developed to predict the effect of missense changes on protein structure and function (SIFT, PolyPhen-2, Align-GVGD) all suggest that this variant is likely to be tolerated, but these predictions have not been confirmed by published functional studies and their clinical significance is uncertain. In summary, the available evidence is currently insufficient to determine the role of this variant in disease. Therefore, it has been classified as a Variant of Uncertain Significance.